The following is an entry in ClinVar:

ClinVar aggregate classification (germline): Conflicting classifications of pathogenicity. Review status: criteria provided, conflicting classifications (1 of 4 stars). 2 submissions from 2 submitters: Uncertain significance (1); Likely benign (1). Last evaluated 2026-01-26.

Conditions:
Pityriasis rubra pilaris (PRP). Also called: Pityriasis rubra pilaris--familial type. Identifiers: Orphanet 2897, MedGen C0032027, MONDO:0100017, OMIM 173200, MONDO:0008251.
Psoriasis 2. Identifiers: MedGen C1864497, MONDO:0011269, OMIM 602723.

Allele frequency attached by ClinVar (database versions not stated): ExAC 0.00001; gnomAD 0.00003 and 0.00005; gnomAD exomes 0.00004; TOPMed 0.00005.
gnomAD v4.1: 65 of 1,612,160 alleles (0.004%); highest among the groups gnomAD compares: Admixed American, 0.025%; no homozygotes.

Submissions (2):

Labcorp Genetics (formerly Invitae), Labcorp
Classification: Uncertain significance for Pityriasis rubra pilaris; Psoriasis 2. Last evaluated: 2026-01-26. Review status: criteria provided, single submitter. Criteria: Invitae Variant Classification Sherloc (09022015). Collection method: clinical testing. Allele origin: germline.
Comment: This sequence change replaces proline, which is neutral and non-polar, with leucine, which is neutral and non-polar, at codon 411 of the CARD14 protein (p.Pro411Leu). This variant is present in population databases (rs564433759, gnomAD 0.02%). This variant has not been reported in the literature in individuals affected with CARD14-related conditions. ClinVar contains an entry for this variant (Variation ID: 640300). Invitae Evidence Modeling of protein sequence and biophysical properties (such as structural, functional, and spatial information, amino acid conservation, physicochemical variation, residue mobility, and thermodynamic stability) indicates that this missense variant is not expected to disrupt CARD14 protein function with a negative predictive value of 95%. In summary, the available evidence is currently insufficient to determine the role of this variant in disease. Therefore, it has been classified as a Variant of Uncertain Significance.

Blueprint Genetics
Classification: Likely benign. Last evaluated: 2023-01-16. Review status: criteria provided, single submitter. Criteria: ACMG Guidelines, 2015. Collection method: clinical testing. Allele origin: germline.

NM_001366385.1(CARD14):c.1232C>T (p.Pro411Leu)

Gene: CARD14 (caspase recruitment domain family member 14; plus strand). Cytogenetic location: 17q25.3.
Variant type: single nucleotide variant.
Coding change: c.1232C>T on transcript NM_001366385.1 (MANE Select); coding-DNA position 1232, C replaced by T.
Protein change: p.Pro411Leu; replaces proline 411 with leucine.
Molecular consequence: missense variant. On other transcripts: non-coding transcript variant (1).
Genome position (GRCh38, 1-based): chr17:80,191,465, C>T. VCF-style: chr17-80191465-C-T. GRCh37 (hg19) VCF-style: chr17-78165264-C-T.
Other names: c.1232C>T, p.Pro411Leu (NM_001257970.1, NM_024110.4); c.521C>T, p.Pro174Leu (NM_052819.3); short protein forms P174L, P411L.
Identifiers: ClinVar variation 640300 (VCV000640300.10), dbSNP rs564433759, ClinGen allele CA8816710.